The following is an entry in ClinVar:

ClinVar aggregate classification (germline): Pathogenic (1 of 4 stars; one submission).

Submission:

Labcorp Genetics (formerly Invitae), Labcorp
Classification: Pathogenic. Last evaluated: 2020-09-18. Review status: criteria provided, single submitter. Criteria: Invitae Variant Classification Sherloc (09022015). Collection method: clinical testing. Allele origin: germline.
Comment: For these reasons, this variant has been classified as Pathogenic. This variant disrupts the C-terminus of the HJV protein. Other variant(s) that disrupt this region (p.Gly336*) have been determined to be pathogenic (PMID: 14982873, 19342478, 30195625). This suggests that variants that disrupt this region of the protein are likely to be causative of disease. This variant has not been reported in the literature in individuals with HJV-related conditions. This variant is not present in population databases (ExAC no frequency). This sequence change results in a premature translational stop signal in the HJV gene (p.Cys185Alafs*61). While this is not anticipated to result in nonsense mediated decay, it is expected to disrupt the last 242 amino acids of the HJV protein.

Literature cited by the submitters: PubMed 14982873; PubMed 19342478; PubMed 30195625.

NM_213653.4(HJV):c.552del (p.Cys185fs)

Gene: HJV (hemojuvelin BMP co-receptor; minus strand). Cytogenetic location: 1q21.1.
Variant type: Deletion.
Coding change: c.552del on transcript NM_213653.4 (MANE Select); coding-DNA position 552, one base deleted (A; older notation c.552delA).
Protein change: p.Cys185fs; shifts the reading frame from cysteine 185.
Molecular consequence: frameshift variant. On other transcripts: intron variant (3).
Genome position (GRCh38, 1-based): chr1:146,019,280, T deleted on the plus strand (A on the coding strand, the reverse complement: HJV is on the minus strand). VCF-style (leftmost placement, unchanged base first): chr1-146019279-AT-A. GRCh37 (hg19) VCF-style: chr1-145415732-CA-C.
Other names: c.552del, p.Cys185fs (NM_001379352.1); c.213del, p.Cys72fs (NM_145277.5); c.-21-580del (NM_213652.4); c.-22+418del (NM_202004.4, NM_001316767.2); short protein forms C185fs, C72fs.
Identifiers: ClinVar variation 1069657 (VCV001069657.9), dbSNP rs2101984266, ClinGen allele CA2499214161.
Genomic context (GRCh38, chr1:146,019,279, plus strand): 5'-TGGTGGCTTGGACAAAGAGGAAGTCATTATCCAGTAGAGGCCAAGCTCCTTGGACACGGC[AT>A]GTGTGAAAGTGATGGTGGAAGCTGCGCACATGGGGGTCCCCGAAGGAAGCGCAATGCAAG-3'